The following is an entry in ClinVar:

ClinVar aggregate classification (germline): Pathogenic (1 of 4 stars; one submission).

Conditions:
Congenital disorder of deglycosylation (CDDG). Identifiers: MedGen C3808991, MONDO:0031376.

Submission:

Labcorp Genetics (formerly Invitae), Labcorp
Classification: Pathogenic for Congenital disorder of deglycosylation. Last evaluated: 2024-05-06. Review status: criteria provided, single submitter. Criteria: Invitae Variant Classification Sherloc (09022015). Collection method: clinical testing. Allele origin: germline.
Comment: This sequence change creates a premature translational stop signal (p.Gln133*) in the NGLY1 gene. It is expected to result in an absent or disrupted protein product. Loss-of-function variants in NGLY1 are known to be pathogenic (PMID: 24651605). This variant is not present in population databases (gnomAD no frequency). This variant has not been reported in the literature in individuals affected with NGLY1-related conditions. For these reasons, this variant has been classified as Pathogenic.

Literature cited by the submitters: PubMed 24651605.

NM_018297.4(NGLY1):c.397C>T (p.Gln133Ter)

Gene: NGLY1 (N-glycanase 1; minus strand). Cytogenetic location: 3p24.2.
Variant type: single nucleotide variant.
Coding change: c.397C>T on transcript NM_018297.4 (MANE Select); coding-DNA position 397, C replaced by T.
Protein change: p.Gln133Ter; replaces glutamine 133 with a stop codon.
Molecular consequence: nonsense.
Genome position (GRCh38, 1-based): chr3:25,764,161, G>A on the plus strand (C>T on the coding strand, the complement: NGLY1 is on the minus strand). VCF-style: chr3-25764161-G-A. GRCh37 (hg19) VCF-style: chr3-25805652-G-A.
Other names: c.397C>T, p.Gln133Ter (NM_001145293.2, NM_001145295.2); c.271C>T, p.Gln91Ter (NM_001145294.2); short protein forms Q133*, Q91*.
Identifiers: ClinVar variation 3683266 (VCV003683266.2).
Genomic context (GRCh38, chr3:25,764,161, plus strand): 5'-GACGGTTCCTTGTGTGCTGGTTTAACCCACTGGGATTTGAAGATGGTGTTGTAGGAAGCT[G>A]GGTACTGGCTGCAGGTTGCTGAGATGACTTTACTTTGTGGCTCTTATTTGAGCCATCCAG-3'